The following is an entry in ClinVar:

NC_000002.11:g.(?_173332189)_(173332308_?)del

Gene: ITGA6 (integrin subunit alpha 6; plus strand). Cytogenetic location: 2q31.1.
Variant type: Deletion.
Identifiers: ClinVar variation 3247461 (VCV003247461.1).

ClinVar aggregate classification (germline): Pathogenic (1 of 4 stars; one submission).

Submission:

Labcorp Genetics (formerly Invitae), Labcorp
Classification: Pathogenic. Last evaluated: 2023-11-10. Review status: criteria provided, single submitter. Criteria: Invitae Variant Classification Sherloc (09022015). Collection method: clinical testing. Allele origin: unknown.
Comment: This variant is a gross deletion of the genomic region encompassing exon(s) 3 of the ITGA6 gene. This deletion is out-of-frame, and is expected to create a premature termination codon and result in an absent or disrupted protein product. Loss-of-function variants in ITGA6 are known to be pathogenic (PMID: 9158140, 9185503, 9804362, 27607025). This variant has not been reported in the literature in individuals affected with ITGA6-related conditions. For these reasons, this variant has been classified as Pathogenic.

Literature cited by the submitters: PubMed 9158140; PubMed 9185503; PubMed 9804362; PubMed 27607025.